The following is an entry in ClinVar:

ClinVar aggregate classification (germline): Likely benign. Review status: criteria provided, multiple submitters, no conflicts (2 of 4 stars). 2 submissions from 2 submitters: Likely benign (2). Last evaluated 2023-10-02.

Conditions:
Hypokalemic periodic paralysis, type 1. Also called: HypoPP; Hypokalemic Periodic Paralysis Type 1 (AD). Identifiers: Orphanet 681, MedGen C3714580, MONDO:0042979, OMIM 170400.
Malignant hyperthermia, susceptibility to, 5 (MHS5). Also called: CACNA1S-Related Malignant Hyperthermia Susceptibility. Identifiers: Orphanet 423, MedGen C1866077, MONDO:0011163, OMIM 601887.

Allele frequency attached by ClinVar (database versions not stated): TOPMed below 0.00001; ExAC 0.00001; gnomAD 0.00001 and 0.00002; gnomAD exomes 0.00001; 1000 Genomes Project 30x 0.00016; 1000 Genomes Project 0.00020.
gnomAD v4.1: 3 of 1,605,214 alleles (0.00019%); highest among the groups gnomAD compares: African/African-American, 0.004%; no homozygotes.

Submissions (2):

All of Us Research Program, National Institutes of Health
Classification: Likely benign for Malignant hyperthermia, susceptibility to, 5. Last evaluated: 2023-10-02. Review status: criteria provided, single submitter. Criteria: ACMG Guidelines, 2015. Collection method: clinical testing. Allele origin: germline. Inheritance: Autosomal dominant inheritance. Observed: 1 variant allele, 1 heterozygote.
Comment: This study involves interpretation of variants in research participants for the purpose of population health screening. Participant phenotype was not available at the time of variant classification. Additional details can be found in publication PMID: 35346344, PMCID: PMC8962531

Labcorp Genetics (formerly Invitae), Labcorp
Classification: Likely benign for Hypokalemic periodic paralysis, type 1; Malignant hyperthermia, susceptibility to, 5. Last evaluated: 2023-03-03. Review status: criteria provided, single submitter. Criteria: Invitae Variant Classification Sherloc (09022015). Collection method: clinical testing. Allele origin: germline.

NM_000069.3(CACNA1S):c.5613A>G (p.Pro1871=)

Gene: CACNA1S (calcium voltage-gated channel subunit alpha1 S; minus strand). Cytogenetic location: 1q32.1.
Variant type: single nucleotide variant.
Coding change: c.5613A>G on transcript NM_000069.3 (MANE Select); coding-DNA position 5613, A replaced by G.
Protein change: p.Pro1871=; no amino-acid change (proline 1871 retained).
Molecular consequence: synonymous variant.
Genome position (GRCh38, 1-based): chr1:201,039,840, T>C on the plus strand (A>G on the coding strand, the complement: CACNA1S is on the minus strand). VCF-style: chr1-201039840-T-C. GRCh37 (hg19) VCF-style: chr1-201008968-T-C.
Identifiers: ClinVar variation 1077693 (VCV001077693.10), dbSNP rs540156963, ClinGen allele CA083909.